The following is an entry in ClinVar:

ClinVar aggregate classification (germline): Pathogenic (1 of 4 stars; one submission).

Conditions:
Inborn genetic diseases. Identifiers: MedGen C0950123, MeSH D030342.

Submission:

Ambry Genetics
Classification: Pathogenic for Inborn genetic diseases. Last evaluated: 2023-12-14. Review status: criteria provided, single submitter. Criteria: Ambry Variant Classification Scheme 2023. Collection method: clinical testing. Allele origin: germline.
Comment: The c.2632C>T (p.Q878*) alteration, located in exon 20 (coding exon 18) of the KMT2E gene, consists of a C to T substitution at nucleotide position 2632. This changes the amino acid from a glutamine (Q) to a stop codon at amino acid position 878. This alteration is expected to result in loss of function by premature protein truncation or nonsense-mediated mRNA decay. This variant was not reported in population-based cohorts in the Genome Aggregation Database (gnomAD). This alteration was reported in the heterozygous state in an individual with infantile spasms (Lee, 2022). Based on the available evidence, this alteration is classified as pathogenic.

Literature cited by the submitters: PubMed 35937050.

NM_182931.3(KMT2E):c.2632C>T (p.Gln878Ter)

Gene: KMT2E (lysine methyltransferase 2E (inactive); plus strand). Cytogenetic location: 7q22.3.
Variant type: single nucleotide variant.
Coding change: c.2632C>T on transcript NM_182931.3 (MANE Select); coding-DNA position 2632, C replaced by T.
Protein change: p.Gln878Ter; replaces glutamine 878 with a stop codon.
Molecular consequence: nonsense.
Genome position (GRCh38, 1-based): chr7:105,106,557, C>T. VCF-style: chr7-105106557-C-T. GRCh37 (hg19) VCF-style: chr7-104747004-C-T.
Other names: c.2632C>T, p.Gln878Ter (NM_001410908.1, NM_018682.4); short protein forms Q878*.
Identifiers: ClinVar variation 3116060 (VCV003116060.1), dbSNP rs2536506052, ClinGen allele CA368787276.